The following is an entry in ClinVar:

ClinVar aggregate classification (germline): Uncertain significance (1 of 4 stars; one submission).

Conditions:
Mitochondrial complex II deficiency, nuclear type 1. Also called: SUCCINATE CoQ REDUCTASE DEFICIENCY. Identifiers: Orphanet 3208, MedGen C5700310, MONDO:0100294, OMIM 252011.
Pheochromocytoma/paraganglioma syndrome 5. Also called: Paragangliomas 5; SDHA-Related Hereditary Paraganglioma-Pheochromocytoma Syndrome. Identifiers: Orphanet 29072, MedGen C3279992, MONDO:0013602, OMIM 614165.

Submission:

Labcorp Genetics (formerly Invitae), Labcorp
Classification: Uncertain significance for Pheochromocytoma/paraganglioma syndrome 5; Mitochondrial complex II deficiency, nuclear type 1. Last evaluated: 2022-12-30. Review status: criteria provided, single submitter. Criteria: Invitae Variant Classification Sherloc (09022015). Collection method: clinical testing. Allele origin: germline.
Comment: In summary, the available evidence is currently insufficient to determine the role of this variant in disease. Therefore, it has been classified as a Variant of Uncertain Significance. Algorithms developed to predict the effect of missense changes on protein structure and function (SIFT, PolyPhen-2, Align-GVGD) all suggest that this variant is likely to be disruptive. This variant has not been reported in the literature in individuals affected with SDHA-related conditions. This variant is not present in population databases (gnomAD no frequency). This sequence change replaces alanine, which is neutral and non-polar, with glutamic acid, which is acidic and polar, at codon 88 of the SDHA protein (p.Ala88Glu).

NM_004168.4(SDHA):c.263C>A (p.Ala88Glu)

Gene: SDHA (succinate dehydrogenase complex flavoprotein subunit A; plus strand). Cytogenetic location: 5p15.33.
Variant type: single nucleotide variant.
Coding change: c.263C>A on transcript NM_004168.4 (MANE Select); coding-DNA position 263, C replaced by A.
Protein change: p.Ala88Glu; replaces alanine 88 with glutamic acid.
Molecular consequence: missense variant.
Genome position (GRCh38, 1-based): chr5:224,472, C>A. VCF-style: chr5-224472-C-A. GRCh37 (hg19) VCF-style: chr5-224587-C-A.
Other names: c.263C>A, p.Ala88Glu (NM_001294332.2, NM_001330758.2); short protein forms A88E.
Identifiers: ClinVar variation 2942780 (VCV002942780.3), dbSNP rs1734891785, ClinGen allele CA359008598.